The following is an entry in ClinVar:

NM_018055.5(NODAL):c.93G>A (p.Thr31=)

Gene: NODAL (nodal growth differentiation factor; minus strand). Cytogenetic location: 10q22.1.
Variant type: single nucleotide variant.
Coding change: c.93G>A on transcript NM_018055.5 (MANE Select); coding-DNA position 93, G replaced by A.
Protein change: p.Thr31=; no amino-acid change (threonine 31 retained).
Molecular consequence: synonymous variant. On other transcripts: intron variant (1).
Genome position (GRCh38, 1-based): chr10:70,441,575, C>T on the plus strand (G>A on the coding strand, the complement: NODAL is on the minus strand). VCF-style: chr10-70441575-C-T. GRCh37 (hg19) VCF-style: chr10-72201331-C-T.
Other names: c.93G>A (NM_018055.4); c.-206-5592G>A (NM_001329906.2).
Identifiers: ClinVar variation 2192363 (VCV002192363.5), dbSNP rs776625558, ClinGen allele CA5537665.
Genomic context (GRCh38, chr10:70,441,575, plus strand): 5'-CGGGTCGCGGTAGAGGCTCAGCATGTACGCCAGAGGGGATGGCGACGAGGGCTGCCCCCG[C>T]GTACGCAGGAGCGCAGTGGCCACCGTCGCAGCACCCGCCTGGAGTAGGGCCCACCAGGCG-3'
Protein context (NP_060525.3, residues 21-41): AATVATALLR[Thr31=]RGQPSSPSPL

ClinVar aggregate classification (germline): Likely benign. Review status: criteria provided, single submitter (1 of 4 stars). 2 submissions from 2 submitters: Likely benign (1). 1 of the submissions does not count toward it. Last evaluated 2024-04-22.

Conditions:
NODAL-related disorder. Also called: NODAL-related condition; NODAL-related disorders. Identifiers: MedGen CN239298.
Heterotaxy, visceral, 5, autosomal (HTX5). Also called: Heterotaxy, visceral, 5. Identifiers: Orphanet 450, MedGen C3495537, MONDO:0700112, OMIM 270100.

Allele frequency attached by ClinVar (database versions not stated): ExAC 0.00004.
gnomAD v4.1: 1 of 1,571,378 alleles (0.000064%); highest among the groups gnomAD compares: Non-Finnish European, 0.000086%; no homozygotes.

Submissions (2):

Labcorp Genetics (formerly Invitae), Labcorp
Classification: Likely benign for Heterotaxy, visceral, 5, autosomal. Last evaluated: 2024-04-22. Review status: criteria provided, single submitter. Criteria: Invitae Variant Classification Sherloc (09022015). Collection method: clinical testing. Allele origin: germline.

PreventionGenetics, part of Exact Sciences
Classification: Likely benign for NODAL-related condition. Last evaluated: 2024-08-28. Review status: no assertion criteria provided. Collection method: clinical testing. Allele origin: germline. Not counted in ClinVar's aggregate classification.
Comment: This variant is classified as likely benign based on ACMG/AMP sequence variant interpretation guidelines (Richards et al. 2015 PMID: 25741868, with internal and published modifications).